The following is an entry in ClinVar:

ClinVar aggregate classification (germline): Pathogenic/Likely pathogenic. Review status: criteria provided, multiple submitters, no conflicts (2 of 4 stars). 5 submissions from 5 submitters: Pathogenic (3); Likely pathogenic (1). 1 of the submissions does not count toward it. Last evaluated 2025-09-27.

Conditions:
Hereditary nonpolyposis colorectal neoplasms. Identifiers: MedGen C0009405, MeSH D003123.
Lynch syndrome 4 (LYNCH4). Also called: Hereditary non-polyposis colorectal cancer, type 4; Colorectal cancer, hereditary nonpolyposis, type 4. Identifiers: Orphanet 144, MedGen C1838333, MONDO:0013699, OMIM 614337. Disease mechanism: loss of function.
Hereditary cancer-predisposing syndrome. Also called: Hereditary Cancer Syndrome; Hereditary neoplastic syndrome; Tumor predisposition; Neoplastic Syndromes, Hereditary. Identifiers: Orphanet 140162, MedGen C0027672, MeSH D009386, MONDO:0015356.
Carcinoma of colon (CRC). Also called: Colonic carcinoma; Colon carcinoma. Identifiers: MedGen C0699790, MONDO:0002032.

Submissions (5):

Labcorp Genetics (formerly Invitae), Labcorp
Classification: Pathogenic for Hereditary nonpolyposis colorectal neoplasms. Last evaluated: 2025-09-27. Review status: criteria provided, single submitter. Criteria: Invitae Variant Classification Sherloc (09022015). Collection method: clinical testing. Allele origin: germline.
Comment: This sequence change creates a premature translational stop signal (p.Glu836Argfs*15) in the PMS2 gene. While this is not anticipated to result in nonsense mediated decay, it is expected to disrupt the last 27 amino acid(s) of the PMS2 protein. The frequency data for this variant in the population databases (gnomAD) is considered unreliable due to the presence of homologous sequence, such as pseudogenes or paralogs, in the genome. This variant has not been reported in the literature in individuals affected with PMS2-related conditions. ClinVar contains an entry for this variant (Variation ID: 1049809). This variant disrupts the MLH1 interaction domain of the PMS2 protein, which has been shown to be critical for PMS2-MLH1 dimerization (PMID: 10037723), and therefore mismatch repair activity (PMID: 16338176, 20533529). While functional studies have not been performed to directly test the effect of this variant on PMS2 protein function, this suggests that disruption of this region of the protein is causative of disease. This variant disrupts a region of the PMS2 protein in which other variant(s) (p.Trp841Glyfs*10) have been determined to be pathogenic (PMID: 16338176, 20533529, 26116798, 30764633; internal data). This suggests that this is a clinically significant region of the protein, and that variants that disrupt it are likely to be disease-causing. For these reasons, this variant has been classified as Pathogenic.

Ambry Genetics
Classification: Pathogenic for Hereditary cancer-predisposing syndrome. Last evaluated: 2024-05-08. Review status: criteria provided, single submitter. Criteria: Ambry Variant Classification Scheme 2023. Collection method: clinical testing. Allele origin: germline.
Comment: The c.2506delG pathogenic mutation, located in coding exon 15 of the PMS2 gene, results from a deletion of one nucleotide at nucleotide position 2506, causing a translational frameshift with a predicted alternate stop codon (p.E836Rfs*15). This alteration occurs at the 3' terminus of thePMS2 gene, is not expected to trigger nonsense-mediated mRNA decay, and only impacts the last 3% of the protein. However, premature stop codons are typically deleterious in nature and the impacted region is critical for protein function (Ambry internal data). As such, this alteration is interpreted as a disease-causing mutation.

Baylor Genetics
Classification: Pathogenic for Lynch syndrome 4. Last evaluated: 2023-11-29. Review status: criteria provided, single submitter. Criteria: ACMG Guidelines, 2015. Collection method: clinical testing. Allele origin: unknown.

Myriad Genetics, Inc.
Classification: Likely pathogenic for Lynch syndrome 4. Last evaluated: 2023-09-25. Review status: criteria provided, single submitter. Criteria: Myriad Autosomal Dominant, Autosomal Recessive and X-Linked Classification Criteria (2023). Collection method: clinical testing. Allele origin: unknown.
Comment: This variant is considered likely pathogenic. This variant creates a frameshift predicted to result in premature protein truncation.

Department of Pathology and Laboratory Medicine, Sinai Health System
Classification: Pathogenic for Carcinoma of colon. Review status: no assertion criteria provided. Collection method: clinical testing. Allele origin: unknown. Affected: yes. Study: The Canadian Open Genetics Repository (COGR). Not counted in ClinVar's aggregate classification.
Comment: The PMS2 p.Glu836Argfs*15 variant was not identified in the literature nor was it identified in the dbSNP or ClinVar. However, a variant resulting in a nearby frameshift (PMS2:c.2500_2501delinsG, p.Met834Glyfs*17) has been reported in ClinVar and was classified as pathogenic by Invitae, Ambry Genetics and one other submitter and as likely pathogenic by one submitter. The p.Glu836Argfs*15 variant was not identified in the Exome Aggregation Consortium (August 8th 2016), or the Genome Aggregation Database (Feb 27, 2017). The c.2506del variant is predicted to cause a frameshift, which alters the protein's amino acid sequence beginning at codon 836 and leads to a premature stop codon 15 codons downstream. The variant may not result in nonsense mediated decay as this variant is near the 3' end of the gene. The predicted removal of the last 27 amino acids of the protein may affect protein function because this region has been shown to be important for binding to MLH1, which is required for mismatch-repair activity and residues in this region have also been shown to be involved in endonuclease activity and zinc binding (Gurrette 1999, Kosinski 2008). In summary, based on the above information, this variant is classified as pathogenic.

Literature cited by the submitters: PubMed 10037723 (cited by Labcorp Genetics (formerly Invitae), Labcorp); PubMed 16338176 (cited by Labcorp Genetics (formerly Invitae), Labcorp); PubMed 20533529 (cited by Labcorp Genetics (formerly Invitae), Labcorp); PubMed 26116798 (cited by Labcorp Genetics (formerly Invitae), Labcorp); PubMed 30764633 (cited by Labcorp Genetics (formerly Invitae), Labcorp).

NM_000535.7(PMS2):c.2506del (p.Glu836fs)

Gene: PMS2 (PMS1 homolog 2, mismatch repair system component; minus strand). Cytogenetic location: 7p22.1.
Variant type: Deletion.
Coding change: c.2506del on transcript NM_000535.7 (MANE Select); coding-DNA position 2506, one base deleted (G; older notation c.2506delG).
Protein change: p.Glu836fs; shifts the reading frame from glutamic acid 836.
Molecular consequence: frameshift variant. On other transcripts: non-coding transcript variant (1).
Genome position (GRCh38, 1-based): chr7:5,973,482, C deleted on the plus strand (G on the coding strand, the reverse complement: PMS2 is on the minus strand); the first of 5 consecutive C bases (chr7:5,973,482-5,973,486); deleting any one gives the same sequence. VCF-style (leftmost placement, unchanged base first): chr7-5973481-TC-T. GRCh37 (hg19) VCF-style: chr7-6013112-TC-T.
Other names: c.2101del, p.Glu701fs (NM_001322003.2, NM_001322004.2, NM_001322005.2); c.2350del, p.Glu784fs (NM_001322006.2); c.2188del, p.Glu730fs (NM_001322007.2, NM_001322008.2); c.2134del, p.Glu712fs (NM_001322009.2); c.1945del, p.Glu649fs (NM_001322010.2); c.1573del, p.Glu525fs (NM_001322011.2, NM_001322012.2); c.1933del, p.Glu645fs (NM_001322013.2); c.2539del, p.Glu847fs (NM_001322014.2); and 1 more; short protein forms E525fs, E645fs, E649fs, E701fs, E712fs, E730fs, E733fs, E784fs.
Identifiers: ClinVar variation 1049809 (VCV001049809.9), dbSNP rs2128658092, ClinGen allele CA2499218933.